The following is an entry in ClinVar:

ClinVar aggregate classification (germline): Benign. Review status: criteria provided, single submitter (1 of 4 stars). 2 submissions from 1 submitter: Benign (2). Last evaluated 2018-01-13.

Conditions:
Dilated cardiomyopathy 1V (CMD1V). Identifiers: Orphanet 154, MedGen C3150958, MONDO:0013373, OMIM 613697.
Alzheimer disease 4 (AD4). Identifiers: Orphanet 1020, MedGen C1847200, MONDO:0011743, OMIM 606889.

Allele frequency attached by ClinVar (database versions not stated): gnomAD 0.07769 and 0.08031; TOPMed 0.08778; 1000 Genomes Project 0.11122; 1000 Genomes Project 30x 0.11430.

Submissions (2):

Illumina Laboratory Services, Illumina
Classification: Benign for Alzheimer disease 4. Last evaluated: 2018-01-13. Review status: criteria provided, single submitter. Criteria: ICSL Variant Classification Criteria 13 December 2019. Collection method: clinical testing. Allele origin: germline.
Comment: This variant was observed in the ICSL laboratory as part of a predisposition screen in an ostensibly healthy population. It had not been previously curated by ICSL or reported in the Human Gene Mutation Database (HGMD: prior to June 1st, 2018), and was therefore a candidate for classification through an automated scoring system. Utilizing variant allele frequency, disease prevalence and penetrance estimates, and inheritance mode, an automated score was calculated to assess if this variant is too frequent to cause the disease. Based on the score and internal cut-off values, a variant classified as benign is not then subjected to further curation. The score for this variant resulted in a classification of benign for this disease.

Illumina Laboratory Services, Illumina
Classification: Benign for Dilated cardiomyopathy 1V. Last evaluated: 2018-01-13. Review status: criteria provided, single submitter. Criteria: ICSL Variant Classification Criteria 13 December 2019. Collection method: clinical testing. Allele origin: germline.
Comment: the same text as in the submission from Illumina Laboratory Services, Illumina above.

NM_000447.3(PSEN2):c.-43C>T

Gene: PSEN2 (presenilin 2; plus strand). Cytogenetic location: 1q42.13.
Variant type: single nucleotide variant.
Coding change: c.-43C>T on transcript NM_000447.3 (MANE Select); 43 bases upstream of the start codon, C replaced by T.
Molecular consequence: 5 prime UTR variant.
Genome position (GRCh38, 1-based): chr1:226,875,528, C>T. VCF-style: chr1-226875528-C-T. GRCh37 (hg19) VCF-style: chr1-227063229-C-T.
Other names: c.-43C>T (NM_012486.3).
Identifiers: ClinVar variation 295986 (VCV000295986.5), dbSNP rs7961, ClinGen allele CA10609375.
Genomic context (GRCh38, chr1:226,875,528, plus strand): 5'-GGGAGCATCATTCATTTAGCCTGCTGAGAAGAAGAAACCAAGTGTCCGGGATTCAGACCT[C>T]TCTGCGGCCCCAAGTGTTCGTGGTAAGTGCAGTGACTCCCAACCTGCTTTTGAACCCTCT-3'